The following is an entry in ClinVar:

NM_006766.5(KAT6A):c.2203C>T (p.Arg735Ter)

Gene: KAT6A (lysine acetyltransferase 6A; minus strand). Cytogenetic location: 8p11.21.
Variant type: single nucleotide variant.
Coding change: c.2203C>T on transcript NM_006766.5 (MANE Select); coding-DNA position 2203, C replaced by T.
Protein change: p.Arg735Ter; replaces arginine 735 with a stop codon.
Molecular consequence: nonsense.
Genome position (GRCh38, 1-based): chr8:41,943,773, G>A on the plus strand (C>T on the coding strand, the complement: KAT6A is on the minus strand). VCF-style: chr8-41943773-G-A. GRCh37 (hg19) VCF-style: chr8-41801291-G-A.
Other names: c.2203C>T, p.Arg735Ter (NM_001305878.2); short protein forms R735*.
Identifiers: ClinVar variation 1787663 (VCV001787663.3), dbSNP rs2486777288, ClinGen allele CA371073006.

ClinVar aggregate classification (germline): Pathogenic. Review status: criteria provided, multiple submitters, no conflicts (2 of 4 stars). 2 submissions from 2 submitters: Pathogenic (2). Last evaluated 2023-07-10.

Conditions:
Inborn genetic diseases. Identifiers: MedGen C0950123, MeSH D030342.

Submissions (2):

GeneDx
Classification: Pathogenic. Last evaluated: 2023-07-10. Review status: criteria provided, single submitter. Criteria: GeneDx Variant Classification Process June 2021. Collection method: clinical testing. Allele origin: germline. Affected: yes.
Comment: Nonsense variant predicted to result in protein truncation or nonsense mediated decay in a gene for which loss of function is a known mechanism of disease; Not observed at significant frequency in large population cohorts (gnomAD); This variant is associated with the following publications: (PMID: 28135719, 31785789, 30245513)

Ambry Genetics
Classification: Pathogenic for Inborn genetic diseases. Last evaluated: 2019-09-30. Review status: criteria provided, single submitter. Criteria: Ambry Variant Classification Scheme 2023. Collection method: clinical testing. Allele origin: germline.
Comment: The p.R735* pathogenic mutation (also known as c.2203C>T), located in coding exon 12 of the KAT6A gene, results from a C to T substitution at nucleotide position 2203. This changes the amino acid from an arginine to a stop codon within coding exon 12. This mutation was identified in an individual with developmental delay (Deciphering Developmental Disorders Study. Nature, 2017 02;542:433-438). In addition, it was reported to occur de novo in an individual with KAT6A syndrome (Kennedy J et al. Genet. Med., 2019 04;21:850-860). In addition to the clinical data presented in the literature, this alteration is expected to result in loss of function by premature protein truncation or nonsense-mediated mRNA decay. As such, this alteration is interpreted as a disease-causing mutation.

Literature cited by the submitters: PubMed 28135719 (cited by Ambry Genetics); PubMed 30245513 (cited by Ambry Genetics).